The following is an entry in ClinVar:

NM_000038.6(APC):c.8189C>T (p.Ala2730Val)

Gene: APC (APC regulator of Wnt signaling pathway; plus strand). Cytogenetic location: 5q22.2.
Variant type: single nucleotide variant.
Coding change: c.8189C>T on transcript NM_000038.6 (MANE Select); coding-DNA position 8189, C replaced by T.
Protein change: p.Ala2730Val; replaces alanine 2730 with valine.
Molecular consequence: missense variant.
Genome position (GRCh38, 1-based): chr5:112,843,783, C>T. VCF-style: chr5-112843783-C-T. GRCh37 (hg19) VCF-style: chr5-112179480-C-T.
Other names: c.8189C>T, p.Ala2730Val (NM_001127510.3, NM_001354895.2); c.8135C>T, p.Ala2712Val (NM_001127511.3); c.8243C>T, p.Ala2748Val (NM_001354896.2); c.8219C>T, p.Ala2740Val (NM_001354897.2); c.8114C>T, p.Ala2705Val (NM_001354898.2); c.8105C>T, p.Ala2702Val (NM_001354899.2); c.8066C>T, p.Ala2689Val (NM_001354900.2); c.8012C>T, p.Ala2671Val (NM_001354901.2); and 5 more; short protein forms A2712V, A2730V, A2604V, A2639V, A2702V, A2447V, A2570V, A2671V.
Identifiers: ClinVar variation 411448 (VCV000411448.13), dbSNP rs976132108, ClinGen allele CA16039110.

ClinVar aggregate classification (germline): Uncertain significance. Review status: criteria provided, multiple submitters, no conflicts (2 of 4 stars). 4 submissions from 4 submitters: Uncertain significance (3). 1 of the submissions does not count toward it. Last evaluated 2024-02-02.

Conditions:
Familial adenomatous polyposis 1 (FAP1). Also called: FAMILIAL ADENOMATOUS POLYPOSIS 1, ATTENUATED; POLYPOSIS, ADENOMATOUS INTESTINAL. Identifiers: MedGen C2713442, MONDO:0021056, OMIM 175100. Disease mechanism: loss of function.
Hereditary cancer-predisposing syndrome. Also called: Tumor predisposition; Hereditary Cancer Syndrome; Hereditary neoplastic syndrome; Neoplastic Syndromes, Hereditary. Identifiers: Orphanet 140162, MedGen C0027672, MeSH D009386, MONDO:0015356.

Allele frequency attached by ClinVar (database versions not stated): gnomAD exomes 0.00001.
gnomAD v4.1: 3 of 1,613,906 alleles (0.00019%); highest among the groups gnomAD compares: South Asian, 0.0022%; no homozygotes.

Submissions (4):

Labcorp Genetics (formerly Invitae), Labcorp
Classification: Uncertain significance for Familial adenomatous polyposis 1. Last evaluated: 2024-02-02. Review status: criteria provided, single submitter. Criteria: Invitae Variant Classification Sherloc (09022015). Collection method: clinical testing. Allele origin: germline.
Comment: This sequence change replaces alanine, which is neutral and non-polar, with valine, which is neutral and non-polar, at codon 2730 of the APC protein (p.Ala2730Val). This variant is not present in population databases (gnomAD no frequency). This variant has not been reported in the literature in individuals affected with APC-related conditions. ClinVar contains an entry for this variant (Variation ID: 411448). Advanced modeling of protein sequence and biophysical properties (such as structural, functional, and spatial information, amino acid conservation, physicochemical variation, residue mobility, and thermodynamic stability) performed at Invitae indicates that this missense variant is not expected to disrupt APC protein function with a negative predictive value of 95%. In summary, the available evidence is currently insufficient to determine the role of this variant in disease. Therefore, it has been classified as a Variant of Uncertain Significance.

Myriad Genetics, Inc.
Classification: Uncertain significance for Familial adenomatous polyposis 1. Last evaluated: 2023-02-14. Review status: criteria provided, single submitter. Criteria: Myriad Autosomal Dominant, Autosomal Recessive and X-Linked Classification Criteria (2023). Collection method: clinical testing. Allele origin: unknown.
Comment: This variant is classified as a variant of uncertain significance as there is insufficient evidence to determine its impact on protein function and/or cancer risk.

Ambry Genetics
Classification: Uncertain significance for Hereditary cancer-predisposing syndrome. Last evaluated: 2022-04-19. Review status: criteria provided, single submitter. Criteria: Ambry Variant Classification Scheme 2023. Collection method: clinical testing. Allele origin: germline.
Comment: The p.A2730V variant (also known as c.8189C>T), located in coding exon 15 of the APC gene, results from a C to T substitution at nucleotide position 8189. The alanine at codon 2730 is replaced by valine, an amino acid with similar properties. This amino acid position is conserved. In addition, in silico predictors for this gene do not accurately predict pathogenicity. Since supporting evidence is limited at this time, the clinical significance of this alteration remains unclear.

Counsyl
Classification: Uncertain significance for Familial adenomatous polyposis 1. Last evaluated: 2017-11-28. Review status: no assertion criteria provided. Collection method: clinical testing. Allele origin: unknown. Not counted in ClinVar's aggregate classification.